The following is an entry in ClinVar:

NM_005026.5(PIK3CD):c.3109_3111del (p.Asn1037del)

Gene: PIK3CD (phosphatidylinositol-4,5-bisphosphate 3-kinase catalytic subunit delta; plus strand). Cytogenetic location: 1p36.22.
Variant type: Deletion.
Coding change: c.3109_3111del on transcript NM_005026.5 (MANE Select); coding-DNA positions 3109 to 3111, 3 bases deleted (AAC; older notation c.3109_3111delAAC).
Protein change: p.Asn1037del; deletes asparagine 1037.
Molecular consequence: inframe deletion.
Genome position (GRCh38, 1-based): chr1:9,727,020-9,727,022, AAC deleted; deleting any 3 consecutive bases within chr1:9,727,018-9,727,022 gives the same sequence; the c. name uses the placement nearest the transcript's 3' end. VCF-style (leftmost placement, unchanged base first): chr1-9727017-CACA-C. GRCh37 (hg19) VCF-style: chr1-9787075-CACA-C.
Other names: c.3106_3108del, p.Asn1036del (NM_001350234.2); c.3022_3024del, p.Asn1008del (NM_001350235.1); short protein forms N1037del, N1036del, N1008del.
Identifiers: ClinVar variation 2772834 (VCV002772834.3), dbSNP rs2525250335, ClinGen allele CA2697552164.
Genomic context (GRCh38, chr1:9,727,017, plus strand): 5'-CGAGTGAAGTTTAACGAAGCCCTCCGTGAGAGCTGGAAAACCAAAGTGAACTGGCTGGCC[CACA>C]ACGTGTCCAAAGACAACAGGCAGTAGTGGCTCCTCCCAGCCCTGGGCCCAAGAGGAGGCG-3'

ClinVar aggregate classification (germline): Uncertain significance (1 of 4 stars; one submission).

Conditions:
Immunodeficiency 14 (IMD14A). Also called: p110-DELTA-ACTIVATING MUTATION CAUSING SENESCENT T CELLS, LYMPHADENOPATHY, AND IMMUNODEFICIENCY; IMMUNODEFICIENCY 14A WITH LYMPHOPROLIFERATION, AUTOSOMAL DOMINANT; ACTIVATED PI3K-DELTA SYNDROME 1; Activated PI3K Delta Syndrome Type 1 (APDS1). Identifiers: Orphanet 397596, Orphanet 693661, MedGen C5907821, MONDO:0014222, OMIM 615513.

Submission:

Labcorp Genetics (formerly Invitae), Labcorp
Classification: Uncertain significance for Activated PI3K-delta syndrome. Last evaluated: 2024-06-05. Review status: criteria provided, single submitter. Criteria: Invitae Variant Classification Sherloc (09022015). Collection method: clinical testing. Allele origin: germline.
Comment: This variant, c.3109_3111del, results in the deletion of 1 amino acid(s) of the PIK3CD protein (p.Asn1037del), but otherwise preserves the integrity of the reading frame. This variant is not present in population databases (gnomAD no frequency). This variant has not been reported in the literature in individuals affected with PIK3CD-related conditions. Experimental studies and prediction algorithms are not available or were not evaluated, and the functional significance of this variant is currently unknown. In summary, the available evidence is currently insufficient to determine the role of this variant in disease. Therefore, it has been classified as a Variant of Uncertain Significance.